The following is an entry in ClinVar:

NM_139276.3(STAT3):c.1811G>C (p.Gly604Ala)

Gene: STAT3 (signal transducer and activator of transcription 3; minus strand). Cytogenetic location: 17q21.2.
Variant type: single nucleotide variant.
Coding change: c.1811G>C on transcript NM_139276.3 (MANE Select); coding-DNA position 1811, G replaced by C.
Protein change: p.Gly604Ala; replaces glycine 604 with alanine.
Molecular consequence: missense variant.
Genome position (GRCh38, 1-based): chr17:42,323,081, C>G on the plus strand (G>C on the coding strand, the complement: STAT3 is on the minus strand). VCF-style: chr17-42323081-C-G. GRCh37 (hg19) VCF-style: chr17-40475099-C-G.
Other names: c.1811G>C, p.Gly604Ala (NM_001369512.1, NM_001369513.1, NM_001369514.1 and 9 more transcripts); c.1727G>C, p.Gly576Ala (NM_001384984.1); c.1733G>C, p.Gly578Ala (NM_001384985.1); c.1826G>C, p.Gly609Ala (NM_001384986.1, NM_001384990.1); c.1790G>C, p.Gly597Ala (NM_001384987.1); c.1715G>C, p.Gly572Ala (NM_001384989.1); c.1784G>C, p.Gly595Ala (NM_001384991.1); c.1751G>C, p.Gly584Ala (NM_001384992.1); short protein forms G572A, G576A, G578A, G584A, G595A, G597A, G604A, G609A.
Identifiers: ClinVar variation 4085860 (VCV004085860.8).

ClinVar aggregate classification (germline): Uncertain significance (1 of 4 stars; one submission).

Submission:

CeGaT Center for Human Genetics Tuebingen
Classification: Uncertain significance. Last evaluated: 2025-08-01. Review status: criteria provided, single submitter. Criteria: CeGaT Center For Human Genetics Tuebingen Variant Classification Criteria Version 2. Collection method: clinical testing. Allele origin: germline. Affected: yes. Observed: 1 variant allele.
Comment: STAT3: PM2, PP2, PP3